The following is an entry in ClinVar:

NM_030962.4(SBF2):c.735G>A (p.Met245Ile)

Gene: SBF2 (SET binding factor 2; minus strand). Cytogenetic location: 11p15.4.
Variant type: single nucleotide variant.
Coding change: c.735G>A on transcript NM_030962.4 (MANE Select); coding-DNA position 735, G replaced by A.
Protein change: p.Met245Ile; replaces methionine 245 with isoleucine.
Molecular consequence: missense variant.
Genome position (GRCh38, 1-based): chr11:10,002,574, C>T on the plus strand (G>A on the coding strand, the complement: SBF2 is on the minus strand). VCF-style: chr11-10002574-C-T. GRCh37 (hg19) VCF-style: chr11-10024121-C-T.
Other names: c.735G>A, p.Met245Ile (NM_001386339.1, NM_001386342.1); short protein forms M245I.
Identifiers: ClinVar variation 543350 (VCV000543350.6), dbSNP rs1554981022, ClinGen allele CA379643359.
Genomic context (GRCh38, chr11:10,002,574, plus strand): 5'-ATGTAGTTTAGGAATAAATAAAATTAACAAATGAAAACCTCACCTATATTTAAGAGGAAA[C>T]ATTAAAGATTCCAGGGCTCTACAAGCATCACTAAGTCTCTGGAAACTTGCAGAATGGAAG-3'
Protein context (NP_112224.1, residues 235-255): SDACRALESL[Met245Ile]FPLKYSYPYI

ClinVar aggregate classification (germline): Uncertain significance (1 of 4 stars; one submission).

Conditions:
Charcot-Marie-Tooth disease type 4. Also called: Charcot-Marie-Tooth, Type 4; Charcot-Marie-Tooth disease, type IV. Identifiers: Orphanet 64749, MedGen C4082197, MONDO:0018995.

Allele frequency attached by ClinVar (database versions not stated): gnomAD exomes below 0.00001.
gnomAD v4.1: 4 of 1,611,834 alleles (0.00025%); highest among the groups gnomAD compares: Non-Finnish European, 0.00034%; no homozygotes.

Submission:

Labcorp Genetics (formerly Invitae), Labcorp
Classification: Uncertain significance for Charcot-Marie-Tooth disease type 4. Last evaluated: 2021-09-01. Review status: criteria provided, single submitter. Criteria: Invitae Variant Classification Sherloc (09022015). Collection method: clinical testing. Allele origin: germline.
Comment: This sequence change replaces methionine with isoleucine at codon 245 of the SBF2 protein (p.Met245Ile). The methionine residue is moderately conserved and there is a small physicochemical difference between methionine and isoleucine. This variant is not present in population databases (ExAC no frequency). This variant has not been reported in the literature in individuals affected with SBF2-related conditions. Algorithms developed to predict the effect of missense changes on protein structure and function (SIFT, PolyPhen-2, Align-GVGD) all suggest that this variant is likely to be tolerated. In summary, the available evidence is currently insufficient to determine the role of this variant in disease. Therefore, it has been classified as a Variant of Uncertain Significance.